The following is an entry in ClinVar:

ClinVar aggregate classification (germline): Uncertain significance. Review status: criteria provided, multiple submitters, no conflicts (2 of 4 stars). 2 submissions from 2 submitters: Uncertain significance (2). Last evaluated 2025-11-12.

Conditions:
Alstrom syndrome (ALMS). Identifiers: Orphanet 64, MedGen C0268425, MONDO:0008763, OMIM 203800.
Cardiovascular phenotype. Identifiers: MedGen CN230736.

Allele frequency attached by ClinVar (database versions not stated): ExAC 0.00011.
gnomAD v4.1: 21 of 1,556,368 alleles (0.0013%); highest among the groups gnomAD compares: South Asian, 0.0047%; no homozygotes.

Submissions (2):

Labcorp Genetics (formerly Invitae), Labcorp
Classification: Uncertain significance for Alstrom syndrome. Last evaluated: 2025-11-12. Review status: criteria provided, single submitter. Criteria: Invitae Variant Classification Sherloc (09022015). Collection method: clinical testing. Allele origin: germline.
Comment: This sequence change replaces proline, which is neutral and non-polar, with leucine, which is neutral and non-polar, at codon 95 of the ALMS1 protein (p.Pro95Leu). This variant is present in population databases (rs763023186, gnomAD 0.007%). This variant has not been reported in the literature in individuals affected with ALMS1-related conditions. ClinVar contains an entry for this variant (Variation ID: 1796811). Experimental studies and prediction algorithms are not available or were not evaluated, and the functional significance of this variant is currently unknown. In summary, the available evidence is currently insufficient to determine the role of this variant in disease. Therefore, it has been classified as a Variant of Uncertain Significance.

Ambry Genetics
Classification: Uncertain significance for Cardiovascular phenotype. Last evaluated: 2023-06-23. Review status: criteria provided, single submitter. Criteria: Ambry Variant Classification Scheme 2023. Collection method: clinical testing. Allele origin: germline.
Comment: The p.P95L variant (also known as c.284C>T), located in coding exon 1 of the ALMS1 gene, results from a C to T substitution at nucleotide position 284. The proline at codon 95 is replaced by leucine, an amino acid with similar properties. This amino acid position is well conserved in available vertebrate species; however, leucine is the reference amino acid in other vertebrate species. In addition, this alteration is predicted to be tolerated by in silico analysis. Since supporting evidence is limited at this time, the clinical significance of this alteration remains unclear.

NM_001378454.1(ALMS1):c.281C>T (p.Pro94Leu)

Gene: ALMS1 (ALMS1 centrosome and basal body associated protein; plus strand). Cytogenetic location: 2p13.1.
Variant type: single nucleotide variant.
Coding change: c.281C>T on transcript NM_001378454.1 (MANE Select); coding-DNA position 281, C replaced by T.
Protein change: p.Pro94Leu; replaces proline 94 with leucine.
Molecular consequence: missense variant.
Genome position (GRCh38, 1-based): chr2:73,386,149, C>T. VCF-style: chr2-73386149-C-T. GRCh37 (hg19) VCF-style: chr2-73613277-C-T.
Other names: c.284C>T, p.Pro95Leu (NM_015120.4); short protein forms P95L, P94L.
Identifiers: ClinVar variation 1796811 (VCV001796811.7), dbSNP rs763023186, ClinGen allele CA1712787.